The following is an entry in ClinVar:

NM_007215.4(POLG2):c.931C>T (p.Leu311Phe)

Genes: POLG2 (DNA polymerase gamma 2, accessory subunit; minus strand), MILR1 (mast cell immunoglobulin like receptor 1; plus strand). Cytogenetic location: 17q23.3.
Variant type: single nucleotide variant.
Coding change: c.931C>T on transcript NM_007215.4 (MANE Select); coding-DNA position 931, C replaced by T.
Protein change: p.Leu311Phe; replaces leucine 311 with phenylalanine.
Molecular consequence: missense variant.
Genome position (GRCh38, 1-based): chr17:64,490,834, G>A on the plus strand (C>T on the coding strand, the complement: POLG2 is on the minus strand). VCF-style: chr17-64490834-G-A. GRCh37 (hg19) VCF-style: chr17-62486951-G-A.
Other names: short protein forms L311F.
Identifiers: ClinVar variation 3363815 (VCV003363815.1).

ClinVar aggregate classification (germline): Uncertain significance (1 of 4 stars; one submission).

gnomAD v4.1: 1 of 1,613,636 alleles (0.000062%); highest among the groups gnomAD compares: Non-Finnish European, 0.000085%; no homozygotes.

Submission:

GeneDx
Classification: Uncertain significance. Last evaluated: 2023-11-03. Review status: criteria provided, single submitter. Criteria: GeneDx Variant Classification Process June 2021. Collection method: clinical testing. Allele origin: germline. Affected: yes.
Comment: Not observed at significant frequency in large population cohorts (gnomAD); In silico analysis supports that this missense variant has a deleterious effect on protein structure/function; Has not been previously published as pathogenic or benign to our knowledge